The following is an entry in ClinVar:

NM_001369.3(DNAH5):c.7752+7C>G

Gene: DNAH5 (dynein axonemal heavy chain 5; minus strand). Cytogenetic location: 5p15.2.
Variant type: single nucleotide variant.
Coding change: c.7752+7C>G on transcript NM_001369.3 (MANE Select); 7 bases into the intron after coding-DNA position 7752, C replaced by G.
Molecular consequence: intron variant.
Genome position (GRCh38, 1-based): chr5:13,809,037, G>C on the plus strand (C>G on the coding strand, the complement: DNAH5 is on the minus strand). VCF-style: chr5-13809037-G-C. GRCh37 (hg19) VCF-style: chr5-13809146-G-C.
Identifiers: ClinVar variation 698682 (VCV000698682.16), dbSNP rs143848918, ClinGen allele CA3203016.

ClinVar aggregate classification (germline): Benign/Likely benign. Review status: criteria provided, multiple submitters, no conflicts (2 of 4 stars). 5 submissions from 5 submitters: Benign (1); Likely benign (3). 1 of the submissions does not count toward it. Last evaluated 2026-01-12.

Conditions:
Primary ciliary dyskinesia 3. Identifiers: Orphanet 244, MedGen C1837618, MONDO:0012085, OMIM 608644.
DNAH5-related disorder. Also called: DNAH5-related condition.
Primary ciliary dyskinesia. Also called: Ciliary dyskinesia. Identifiers: Orphanet 244, MedGen C0008780, MONDO:0016575, HP:0012265.

Allele frequency attached by ClinVar (database versions not stated): ExAC 0.00037; gnomAD 0.00111 and 0.00116; ESP Exome Variant Server 0.00115; TOPMed 0.00117; 1000 Genomes Project 0.00180; 1000 Genomes Project 30x 0.00219; gnomAD exomes 0.00026.
gnomAD v4.1: 321 of 1,613,998 alleles (0.02%); highest among the groups gnomAD compares: African/African-American, 0.37%; no homozygotes.

Submissions (5):

Labcorp Genetics (formerly Invitae), Labcorp
Classification: Benign for Primary ciliary dyskinesia. Last evaluated: 2026-01-12. Review status: criteria provided, single submitter. Criteria: Invitae Variant Classification Sherloc (09022015). Collection method: clinical testing. Allele origin: germline.

Blueprint Genetics
Classification: Likely benign. Last evaluated: 2024-11-15. Review status: criteria provided, single submitter. Criteria: ACMG Guidelines, 2015. Collection method: clinical testing. Allele origin: germline.

Genomic Medicine Center of Excellence, King Faisal Specialist Hospital and Research Centre
Classification: Likely benign for Primary ciliary dyskinesia 3. Last evaluated: 2024-09-22. Review status: criteria provided, single submitter. Criteria: ACMG Guidelines, 2015. Collection method: clinical testing. Allele origin: germline.

Fulgent Genetics
Classification: Likely benign for Primary ciliary dyskinesia 3. Last evaluated: 2022-01-06. Review status: criteria provided, single submitter. Criteria: ACMG Guidelines, 2015. Collection method: clinical testing. Allele origin: unknown.

PreventionGenetics, part of Exact Sciences
Classification: Likely benign for DNAH5-related condition. Last evaluated: 2019-08-07. Review status: no assertion criteria provided. Collection method: clinical testing. Allele origin: germline. Not counted in ClinVar's aggregate classification.
Comment: This variant is classified as likely benign based on ACMG/AMP sequence variant interpretation guidelines (Richards et al. 2015 PMID: 25741868, with internal and published modifications).